The following is an entry in ClinVar:

ClinVar aggregate classification (germline): Likely benign. Review status: criteria provided, single submitter (1 of 4 stars). 2 submissions from 2 submitters: Likely benign (1). 1 of the submissions does not count toward it. Last evaluated 2026-01-18.

Conditions:
UNC45A-related disorder. Also called: UNC45A-related condition.

Allele frequency attached by ClinVar (database versions not stated): ESP Exome Variant Server 0.00016; gnomAD exomes 0.00025; ExAC 0.00029; gnomAD 0.00054; 1000 Genomes Project 0.00060; 1000 Genomes Project 30x 0.00078; TOPMed 0.00137.
gnomAD v4.1: 396 of 1,603,950 alleles (0.025%); highest among the groups gnomAD compares: Middle Eastern, 0.25%; 2 homozygotes.

Submissions (2):

Labcorp Genetics (formerly Invitae), Labcorp
Classification: Likely benign. Last evaluated: 2026-01-18. Review status: criteria provided, single submitter. Criteria: Invitae Variant Classification Sherloc (09022015). Collection method: clinical testing. Allele origin: germline.

PreventionGenetics, part of Exact Sciences
Classification: Likely benign for UNC45A-related condition. Last evaluated: 2019-06-08. Review status: no assertion criteria provided. Collection method: clinical testing. Allele origin: germline. Not counted in ClinVar's aggregate classification.
Comment: This variant is classified as likely benign based on ACMG/AMP sequence variant interpretation guidelines (Richards et al. 2015 PMID: 25741868, with internal and published modifications).

NM_018671.5(UNC45A):c.33C>A (p.Pro11=)

Genes: UNC45A (unc-45 myosin chaperone A; plus strand), LOC130057954 (ATAC-STARR-seq lymphoblastoid silent region 6833; plus strand). Cytogenetic location: 15q26.1.
Variant type: single nucleotide variant.
Coding change: c.33C>A on transcript NM_018671.5 (MANE Select); coding-DNA position 33, C replaced by A.
Protein change: p.Pro11=; no amino-acid change (proline 11 retained).
Molecular consequence: synonymous variant. On other transcripts: 5 prime UTR variant (1), intron variant (2).
Genome position (GRCh38, 1-based): chr15:90,935,357, C>A. VCF-style: chr15-90935357-C-A. GRCh37 (hg19) VCF-style: chr15-91478587-C-A.
Other names: c.33C>A, p.Pro11= (NM_001323619.1); c.-551C>A (NM_001323620.2); c.6+27C>A (NM_001039675.2, NM_001323621.2).
Identifiers: ClinVar variation 1644687 (VCV001644687.10), dbSNP rs200876300, ClinGen allele CA7742383.